The following is an entry in ClinVar:

ClinVar aggregate classification (germline): Uncertain significance (1 of 4 stars; one submission).

Conditions:
Neuronal ceroid lipofuscinosis 7 (CLN7). Also called: MFSD8-Related Neuronal Ceroid-Lipofuscinosis. Identifiers: Orphanet 168491, Orphanet 228366, MedGen C1838571, MONDO:0012588, OMIM 610951.

Submission:

Labcorp Genetics (formerly Invitae), Labcorp
Classification: Uncertain significance for Neuronal ceroid lipofuscinosis 7. Last evaluated: 2024-10-28. Review status: criteria provided, single submitter. Criteria: Invitae Variant Classification Sherloc (09022015). Collection method: clinical testing. Allele origin: germline.
Comment: This sequence change replaces proline, which is neutral and non-polar, with threonine, which is neutral and polar, at codon 127 of the MFSD8 protein (p.Pro127Thr). This variant is not present in population databases (gnomAD no frequency). This variant has not been reported in the literature in individuals affected with MFSD8-related conditions. ClinVar contains an entry for this variant (Variation ID: 1999992). Invitae Evidence Modeling of protein sequence and biophysical properties (such as structural, functional, and spatial information, amino acid conservation, physicochemical variation, residue mobility, and thermodynamic stability) has been performed for this missense variant. However, the output from this modeling did not meet the statistical confidence thresholds required to predict the impact of this variant on MFSD8 protein function. In summary, the available evidence is currently insufficient to determine the role of this variant in disease. Therefore, it has been classified as a Variant of Uncertain Significance.

NM_001371596.2(MFSD8):c.379C>A (p.Pro127Thr)

Gene: MFSD8 (major facilitator superfamily domain containing 8; minus strand). Cytogenetic location: 4q28.2.
Variant type: single nucleotide variant.
Coding change: c.379C>A on transcript NM_001371596.2 (MANE Select); coding-DNA position 379, C replaced by A.
Protein change: p.Pro127Thr; replaces proline 127 with threonine.
Molecular consequence: missense variant.
Genome position (GRCh38, 1-based): chr4:127,943,812, G>T on the plus strand (C>A on the coding strand, the complement: MFSD8 is on the minus strand). VCF-style: chr4-127943812-G-T. GRCh37 (hg19) VCF-style: chr4-128864967-G-T.
Other names: c.379C>A, p.Pro127Thr (NM_001363520.3, NM_001363521.3, NM_001371591.2 and 5 more transcripts); c.244C>A, p.Pro82Thr (NM_001371590.2, NM_001371595.1, NM_001410765.1); short protein forms P82T, P127T.
Identifiers: ClinVar variation 1999992 (VCV001999992.4), dbSNP rs1740599181, ClinGen allele CA358176772.